The following is an entry in ClinVar:

NM_016284.5(CNOT1):c.1298T>C (p.Ile433Thr)

Gene: CNOT1 (CCR4-NOT transcription complex subunit 1; minus strand). Cytogenetic location: 16q21.
Variant type: single nucleotide variant.
Coding change: c.1298T>C on transcript NM_016284.5 (MANE Select); coding-DNA position 1298, T replaced by C.
Protein change: p.Ile433Thr; replaces isoleucine 433 with threonine.
Molecular consequence: missense variant. On other transcripts: non-coding transcript variant (1).
Genome position (GRCh38, 1-based): chr16:58,580,678, A>G on the plus strand (T>C on the coding strand, the complement: CNOT1 is on the minus strand). VCF-style: chr16-58580678-A-G. GRCh37 (hg19) VCF-style: chr16-58614582-A-G.
Other names: c.1298T>C, p.Ile433Thr (NM_001265612.2, NM_206999.3); c.1298T>C (NM_001265612.1); short protein forms I433T.
Identifiers: ClinVar variation 1678351 (VCV001678351.2), dbSNP rs2151973666, ClinGen allele CA396146152.

ClinVar aggregate classification (germline): Uncertain significance. Review status: criteria provided, multiple submitters, no conflicts (2 of 4 stars). 2 submissions from 2 submitters: Uncertain significance (2). Last evaluated 2024-06-21.

gnomAD v4.1: 2 of 1,613,534 alleles (0.00012%); highest among the groups gnomAD compares: Admixed American, 0.0017%; no homozygotes.

Submissions (2):

GeneDx
Classification: Uncertain significance. Last evaluated: 2024-06-21. Review status: criteria provided, single submitter. Criteria: GeneDx Variant Classification Process June 2021. Collection method: clinical testing. Allele origin: germline. Affected: yes.
Comment: Not observed at significant frequency in large population cohorts (gnomAD); In silico analysis supports that this missense variant has a deleterious effect on protein structure/function; Has not been previously published as pathogenic or benign to our knowledge

AiLife Diagnostics
Classification: Uncertain significance. Last evaluated: 2021-01-22. Review status: criteria provided, single submitter. Criteria: ACMG Guidelines, 2015. Collection method: clinical testing. Allele origin: germline. Affected: yes. Observed: 1 variant allele.